The following is an entry in ClinVar:

NM_174878.3(CLRN1):c.494del (p.Leu164_Ser165insTer)

Gene: CLRN1 (clarin 1; minus strand). Cytogenetic location: 3q25.1.
Variant type: Deletion.
Coding change: c.494del on transcript NM_174878.3 (MANE Select); coding-DNA position 494, one base deleted (C; older notation c.494delC).
Protein change: p.Leu164_Ser165insTer.
Molecular consequence: nonsense. On other transcripts: 3 prime UTR variant (1), non-coding transcript variant (1).
Genome position (GRCh38, 1-based): chr3:150,928,141, G deleted on the plus strand (C on the coding strand, the reverse complement: CLRN1 is on the minus strand). VCF-style (leftmost placement, unchanged base first): chr3-150928140-TG-T. GRCh37 (hg19) VCF-style: chr3-150645927-TG-T.
Other names: c.533del, p.Leu177_Ser178insTer (NM_001195794.1); c.*108del (NM_001256819.2); c.266del, p.Leu88_Ser89insTer (NM_052995.2).
Identifiers: ClinVar variation 1427384 (VCV001427384.6), dbSNP rs2107927978, ClinGen allele CA2573136597.

ClinVar aggregate classification (germline): Pathogenic (1 of 4 stars; one submission).

Submission:

Labcorp Genetics (formerly Invitae), Labcorp
Classification: Pathogenic. Last evaluated: 2021-08-20. Review status: criteria provided, single submitter. Criteria: Invitae Variant Classification Sherloc (09022015). Collection method: clinical testing. Allele origin: germline.
Comment: This variant has not been reported in the literature in individuals affected with CLRN1-related conditions. This variant is not present in population databases (ExAC no frequency). This sequence change creates a premature translational stop signal (p.Ser165*) in the CLRN1 gene. While this is not anticipated to result in nonsense mediated decay, it is expected to disrupt the last 68 amino acid(s) of the CLRN1 protein. For these reasons, this variant has been classified as Pathogenic. This variant disrupts a region of the CLRN1 protein in which other variant(s) (p.Arg207*) have been determined to be pathogenic (PMID: 22952768, 23304067, 26338283). This suggests that this is a clinically significant region of the protein, and that variants that disrupt it are likely to be disease-causing.

Literature cited by the submitters: PubMed 22952768; PubMed 23304067; PubMed 26338283.